The following is an entry in ClinVar:

ClinVar aggregate classification (germline): Pathogenic (1 of 4 stars; one submission).

Submission:

GeneDx
Classification: Pathogenic. Last evaluated: 2024-01-25. Review status: criteria provided, single submitter. Criteria: GeneDx Variant Classification Process June 2021. Collection method: clinical testing. Allele origin: germline. Affected: yes.
Comment: Not observed at significant frequency in large population cohorts (gnomAD); In silico analysis supports that this missense variant does not alter protein structure/function; Has not been previously published as pathogenic or benign to our knowledge

NM_001348800.3(ZBTB20):c.721G>T (p.Asp241Tyr)

Gene: ZBTB20 (zinc finger and BTB domain containing 20; minus strand). Cytogenetic location: 3q13.31.
Variant type: single nucleotide variant.
Coding change: c.721G>T on transcript NM_001348800.3 (MANE Select); coding-DNA position 721, G replaced by T.
Protein change: p.Asp241Tyr; replaces aspartic acid 241 with tyrosine.
Molecular consequence: missense variant.
Genome position (GRCh38, 1-based): chr3:114,351,357, C>A on the plus strand (G>T on the coding strand, the complement: ZBTB20 is on the minus strand). VCF-style: chr3-114351357-C-A. GRCh37 (hg19) VCF-style: chr3-114070204-C-A.
Other names: c.721G>T, p.Asp241Tyr (NM_001164342.2, NM_001348803.3, NM_001393393.1 and 1 more transcripts); c.502G>T, p.Asp168Tyr (NM_001164343.2, NM_001164344.4, NM_001164345.4 and 9 more transcripts); short protein forms D168Y, D241Y.
Identifiers: ClinVar variation 3342469 (VCV003342469.1).